The following is an entry in ClinVar:

NM_001370658.1(BTD):c.806C>T (p.Ala269Val)

Gene: BTD (biotinidase; plus strand). Cytogenetic location: 3p25.1.
Variant type: single nucleotide variant.
Coding change: c.806C>T on transcript NM_001370658.1 (MANE Select); coding-DNA position 806, C replaced by T.
Protein change: p.Ala269Val; replaces alanine 269 with valine.
Molecular consequence: missense variant. On other transcripts: intron variant (1).
Genome position (GRCh38, 1-based): chr3:15,644,722, C>T. VCF-style: chr3-15644722-C-T. GRCh37 (hg19) VCF-style: chr3-15686229-C-T.
Other names: c.866C>T, p.Ala289Val (NM_000060.4); c.806C>T, p.Ala269Val (NM_001281723.4, NM_001281724.3, NM_001281725.3 and 18 more transcripts); c.399+2665C>T (NM_001370753.1); short protein forms A269V.
Identifiers: ClinVar variation 379232 (VCV000379232.18), dbSNP rs1057520533, ClinGen allele CA16604827.

ClinVar aggregate classification (germline): Pathogenic/Likely pathogenic. Review status: criteria provided, multiple submitters, no conflicts (2 of 4 stars). 5 submissions from 5 submitters: Pathogenic (1); Likely pathogenic (2). 2 of the submissions do not count toward it. Last evaluated 2025-09-02.

Conditions:
Biotinidase deficiency. Also called: Biotin deficiency; BTD deficiency; Late-onset biotin-responsive multiple carboxylase deficiency. Identifiers: Orphanet 79241, MedGen C0220754, MONDO:0009665, OMIM 253260.

Allele frequency attached by ClinVar (database versions not stated): TOPMed below 0.00001.

Submissions (5):

Labcorp Genetics (formerly Invitae), Labcorp
Classification: Pathogenic for Biotinidase deficiency. Last evaluated: 2025-09-02. Review status: criteria provided, single submitter. Criteria: Invitae Variant Classification Sherloc (09022015). Collection method: clinical testing. Allele origin: germline.
Comment: This sequence change replaces alanine, which is neutral and non-polar, with valine, which is neutral and non-polar, at codon 289 of the BTD protein (p.Ala289Val). This variant is not present in population databases (gnomAD no frequency). This missense change has been observed in individual(s) with biotinidase deficiency (PMID: 22698809, 38299772). ClinVar contains an entry for this variant (Variation ID: 379232). Invitae Evidence Modeling of protein sequence and biophysical properties (such as structural, functional, and spatial information, amino acid conservation, physicochemical variation, residue mobility, and thermodynamic stability) indicates that this missense variant is expected to disrupt BTD protein function with a positive predictive value of 95%. This variant disrupts the p.Ala289 amino acid residue in BTD. Other variant(s) that disrupt this residue have been determined to be pathogenic (PMID: 10400129, 26810761, 27657684; internal data). This suggests that this residue is clinically significant, and that variants that disrupt this residue are likely to be disease-causing. For these reasons, this variant has been classified as Pathogenic.

Baylor Genetics
Classification: Likely pathogenic for Biotinidase deficiency. Last evaluated: 2024-02-26. Review status: criteria provided, single submitter. Criteria: ACMG Guidelines, 2015. Collection method: clinical testing. Allele origin: unknown.

GeneDx
Classification: Likely pathogenic. Last evaluated: 2023-08-27. Review status: criteria provided, single submitter. Criteria: GeneDx Variant Classification Process June 2021. Collection method: clinical testing. Allele origin: germline. Affected: yes.
Comment: Not observed at significant frequency in large population cohorts (gnomAD); In silico analysis supports that this missense variant has a deleterious effect on protein structure/function; Also known as p.(A289V) using alternate nomenclature; This variant is associated with the following publications: (PMID: 26810761, 27657684, 10400129, 22698809, Sharma2021[Poster])

Natera, Inc.
Classification: Likely pathogenic for Biotinidase deficiency. Last evaluated: 2021-10-01. Review status: no assertion criteria provided. Collection method: clinical testing. Allele origin: germline. Not counted in ClinVar's aggregate classification.

Counsyl
Classification: Uncertain significance for Biotinidase deficiency. Last evaluated: 2017-03-29. Review status: no assertion criteria provided. Collection method: clinical testing. Allele origin: unknown. Not counted in ClinVar's aggregate classification.

Literature cited by the submitters: PubMed 22698809 (cited by Labcorp Genetics (formerly Invitae), Labcorp and Counsyl); PubMed 38299772 (cited by Labcorp Genetics (formerly Invitae), Labcorp); PubMed 10400129 (cited by Labcorp Genetics (formerly Invitae), Labcorp); PubMed 26810761 (cited by Labcorp Genetics (formerly Invitae), Labcorp); PubMed 27657684 (cited by Labcorp Genetics (formerly Invitae), Labcorp).